The following is an entry in ClinVar:

NM_033305.3(VPS13A):c.4861A>G (p.Thr1621Ala)

Gene: VPS13A (vacuolar protein sorting 13 homolog A; plus strand). Cytogenetic location: 9q21.2.
Variant type: single nucleotide variant.
Coding change: c.4861A>G on transcript NM_033305.3 (MANE Select); coding-DNA position 4861, A replaced by G.
Protein change: p.Thr1621Ala; replaces threonine 1621 with alanine.
Molecular consequence: missense variant.
Genome position (GRCh38, 1-based): chr9:77,316,404, A>G. VCF-style: chr9-77316404-A-G. GRCh37 (hg19) VCF-style: chr9-79931320-A-G.
Other names: c.4744A>G, p.Thr1582Ala (NM_001018037.2); c.4861A>G, p.Thr1621Ala (NM_001018038.3, NM_015186.4); short protein forms T1582A, T1621A.
Identifiers: ClinVar variation 3774726 (VCV003774726.1).

ClinVar aggregate classification (germline): Uncertain significance (1 of 4 stars; one submission).

gnomAD v4.1: 1 of 1,610,044 alleles (0.000062%); highest among the groups gnomAD compares: Non-Finnish European, 0.000085%; no homozygotes.

Submission:

GeneDx
Classification: Uncertain significance. Last evaluated: 2024-09-25. Review status: criteria provided, single submitter. Criteria: GeneDx Variant Classification Process June 2021. Collection method: clinical testing. Allele origin: germline. Affected: yes.
Comment: Not observed at significant frequency in large population cohorts (gnomAD); In silico analysis supports that this missense variant has a deleterious effect on protein structure/function; Has not been previously published as pathogenic or benign to our knowledge